The following is an entry in ClinVar:

NM_000350.3(ABCA4):c.4352+4A>G

Gene: ABCA4 (ATP binding cassette subfamily A member 4; minus strand). Cytogenetic location: 1p22.1.
Variant type: single nucleotide variant.
Coding change: c.4352+4A>G on transcript NM_000350.3 (MANE Select); 4 bases into the intron after coding-DNA position 4352, A replaced by G.
Molecular consequence: intron variant.
Genome position (GRCh38, 1-based): chr1:94,030,424, T>C on the plus strand (A>G on the coding strand, the complement: ABCA4 is on the minus strand). VCF-style: chr1-94030424-T-C. GRCh37 (hg19) VCF-style: chr1-94495980-T-C.
Other names: c.4130+4A>G (NM_001425324.1).
Identifiers: ClinVar variation 3724000 (VCV003724000.2).
Genomic context (GRCh38, chr1:94,030,424, plus strand): 5'-AACCCACCGTTGGGTCCTCCCAGGGGAGCTAGTCTTCTTAGGACAGGGGCGCGTAGGCAC[T>C]TACGGAAGCCACCCTTCCTTCAGGCAGCGGTTGCCAAAGCCTGGCTTATTCAGGAGGACG-3'

ClinVar aggregate classification (germline): Uncertain significance (1 of 4 stars; one submission).

gnomAD v4.1: 1 of 1,614,124 alleles (0.000062%); highest among the groups gnomAD compares: Non-Finnish European, 0.000085%; no homozygotes.

Submission:

Labcorp Genetics (formerly Invitae), Labcorp
Classification: Uncertain significance. Last evaluated: 2024-10-29. Review status: criteria provided, single submitter. Criteria: Invitae Variant Classification Sherloc (09022015). Collection method: clinical testing. Allele origin: germline.
Comment: This sequence change falls in intron 29 of the ABCA4 gene. It does not directly change the encoded amino acid sequence of the ABCA4 protein. It affects a nucleotide within the consensus splice site. This variant is not present in population databases (gnomAD no frequency). This variant has not been reported in the literature in individuals affected with ABCA4-related conditions. Variants that disrupt the consensus splice site are a relatively common cause of aberrant splicing (PMID: 17576681, 9536098). Algorithms developed to predict the effect of sequence changes on RNA splicing suggest that this variant may disrupt the consensus splice site. In summary, the available evidence is currently insufficient to determine the role of this variant in disease. Therefore, it has been classified as a Variant of Uncertain Significance.

Literature cited by the submitters: PubMed 17576681; PubMed 9536098.